The following is an entry in ClinVar:

ClinVar aggregate classification (germline): Uncertain significance (1 of 4 stars; one submission).

Allele frequency attached by ClinVar (database versions not stated): TOPMed 0.00001; gnomAD 0.00002.
gnomAD v4.1: 21 of 1,539,708 alleles (0.0014%); highest among the groups gnomAD compares: South Asian, 0.0036%; no homozygotes.

Submission:

Labcorp Genetics (formerly Invitae), Labcorp
Classification: Uncertain significance. Last evaluated: 2024-05-15. Review status: criteria provided, single submitter. Criteria: Invitae Variant Classification Sherloc (09022015). Collection method: clinical testing. Allele origin: germline.
Comment: This sequence change replaces threonine, which is neutral and polar, with methionine, which is neutral and non-polar, at codon 619 of the KCNC3 protein (p.Thr619Met). This variant is present in population databases (no rsID available, gnomAD 0.004%). This variant has not been reported in the literature in individuals affected with KCNC3-related conditions. Advanced modeling of protein sequence and biophysical properties (such as structural, functional, and spatial information, amino acid conservation, physicochemical variation, residue mobility, and thermodynamic stability) performed at Invitae indicates that this missense variant is not expected to disrupt KCNC3 protein function with a negative predictive value of 95%. In summary, the available evidence is currently insufficient to determine the role of this variant in disease. Therefore, it has been classified as a Variant of Uncertain Significance.

NM_004977.3(KCNC3):c.1856C>T (p.Thr619Met)

Gene: KCNC3 (potassium voltage-gated channel subfamily C member 3; minus strand). Cytogenetic location: 19q13.33.
Variant type: single nucleotide variant.
Coding change: c.1856C>T on transcript NM_004977.3 (MANE Select); coding-DNA position 1856, C replaced by T.
Protein change: p.Thr619Met; replaces threonine 619 with methionine.
Molecular consequence: missense variant.
Genome position (GRCh38, 1-based): chr19:50,323,097, G>A on the plus strand (C>T on the coding strand, the complement: KCNC3 is on the minus strand). VCF-style: chr19-50323097-G-A. GRCh37 (hg19) VCF-style: chr19-50826354-G-A.
Other names: c.1628C>T, p.Thr543Met (NM_001372305.1); short protein forms T619M, T543M.
Identifiers: ClinVar variation 2974187 (VCV002974187.3), dbSNP rs942713465, ClinGen allele CA309572604.